The following is an entry in ClinVar:

ClinVar aggregate classification (germline): Uncertain significance (1 of 4 stars; one submission).

Conditions:
Emery-Dreifuss muscular dystrophy 5, autosomal dominant (EDMD5). Also called: EMERY-DREIFUSS MUSCULAR DYSTROPHY 5. Identifiers: Orphanet 261, MedGen C2751805, MONDO:0013072, OMIM 612999.

Allele frequency attached by ClinVar (database versions not stated): gnomAD 0.00004; TOPMed 0.00006; ExAC 0.00010; ESP Exome Variant Server 0.00016.
gnomAD v4.1: 85 of 1,613,914 alleles (0.0053%); highest among the groups gnomAD compares: South Asian, 0.035%; no homozygotes.

Submission:

Labcorp Genetics (formerly Invitae), Labcorp
Classification: Uncertain significance for Emery-Dreifuss muscular dystrophy 5, autosomal dominant. Last evaluated: 2025-02-24. Review status: criteria provided, single submitter. Criteria: Invitae Variant Classification Sherloc (09022015). Collection method: clinical testing. Allele origin: germline.
Comment: This sequence change replaces arginine, which is basic and polar, with glutamine, which is neutral and polar, at codon 1222 of the SYNE2 protein (p.Arg1222Gln). This variant is present in population databases (rs370747910, gnomAD 0.03%). This variant has not been reported in the literature in individuals affected with SYNE2-related conditions. ClinVar contains an entry for this variant (Variation ID: 1002304). An algorithm developed to predict the effect of missense changes on protein structure and function outputs the following: PolyPhen-2: "Benign". The glutamine amino acid residue is found in multiple mammalian species, which suggests that this missense change does not adversely affect protein function. In summary, the available evidence is currently insufficient to determine the role of this variant in disease. Therefore, it has been classified as a Variant of Uncertain Significance.

NM_182914.3(SYNE2):c.3665G>A (p.Arg1222Gln)

Gene: SYNE2 (spectrin repeat containing nuclear envelope protein 2; plus strand). Cytogenetic location: 14q23.2.
Variant type: single nucleotide variant.
Coding change: c.3665G>A on transcript NM_182914.3 (MANE Select); coding-DNA position 3665, G replaced by A.
Protein change: p.Arg1222Gln; replaces arginine 1222 with glutamine.
Molecular consequence: missense variant.
Genome position (GRCh38, 1-based): chr14:64,001,960, G>A. VCF-style: chr14-64001960-G-A. GRCh37 (hg19) VCF-style: chr14-64468678-G-A.
Other names: c.3665G>A, p.Arg1222Gln (NM_015180.6); short protein forms R1222Q.
Identifiers: ClinVar variation 1002304 (VCV001002304.8), dbSNP rs370747910, ClinGen allele CA7220032.